The following is an entry in ClinVar:

NM_004006.3(DMD):c.4451A>C (p.His1484Pro)

Gene: DMD (dystrophin; minus strand). Cytogenetic location: Xp21.1.
Variant type: single nucleotide variant.
Coding change: c.4451A>C on transcript NM_004006.3 (MANE Select); coding-DNA position 4451, A replaced by C.
Protein change: p.His1484Pro; replaces histidine 1484 with proline.
Molecular consequence: missense variant.
Genome position (GRCh38, 1-based): chrX:32,389,568, T>G on the plus strand (A>C on the coding strand, the complement: DMD is on the minus strand). VCF-style: chrX-32389568-T-G. GRCh37 (hg19) VCF-style: chrX-32407685-T-G.
Other names: c.4427A>C, p.His1476Pro (NM_000109.4); c.4439A>C, p.His1480Pro (NM_004009.3); c.4082A>C, p.His1361Pro (NM_004010.3); c.428A>C, p.His143Pro (NM_004011.4); c.419A>C, p.His140Pro (NM_004012.4); short protein forms H1476P, H1361P, H1484P, H1480P, H140P, H143P.
Identifiers: ClinVar variation 3671632 (VCV003671632.2).
Genomic context (GRCh38, chrX:32,389,568, plus strand): 5'-TGATTTAGCTGTGACTGTACTACTTCCTGTTCCACACTCTTTGTTTCCAATGCAGGCAAG[T>G]GCATCTTCACTTCATCTAAAATCATCTTACTTTCTTGTAGACGCTGCTCAAAATTGGCTG-3'
Protein context (NP_003997.2, residues 1474-1494): SKMILDEVKM[His1484Pro]LPALETKSVE

ClinVar aggregate classification (germline): Uncertain significance (1 of 4 stars; one submission).

Conditions:
Duchenne muscular dystrophy (DMD). Also called: MUSCULAR DYSTROPHY, PSEUDOHYPERTROPHIC PROGRESSIVE, DUCHENNE TYPE; Duchenne Muscular Dystrophy (DMD). Identifiers: Orphanet 98896, MedGen C0013264, MONDO:0010679, OMIM 310200.

Submission:

Labcorp Genetics (formerly Invitae), Labcorp
Classification: Uncertain significance for Duchenne muscular dystrophy. Last evaluated: 2024-12-16. Review status: criteria provided, single submitter. Criteria: Invitae Variant Classification Sherloc (09022015). Collection method: clinical testing. Allele origin: germline.
Comment: This sequence change replaces histidine, which is basic and polar, with proline, which is neutral and non-polar, at codon 1484 of the DMD protein (p.His1484Pro). This variant is not present in population databases (gnomAD no frequency). This variant has not been reported in the literature in individuals affected with DMD-related conditions. Invitae Evidence Modeling of protein sequence and biophysical properties (such as structural, functional, and spatial information, amino acid conservation, physicochemical variation, residue mobility, and thermodynamic stability) indicates that this missense variant is not expected to disrupt DMD protein function with a negative predictive value of 95%. In summary, the available evidence is currently insufficient to determine the role of this variant in disease. Therefore, it has been classified as a Variant of Uncertain Significance.